The following is an entry in ClinVar:

NM_020975.6(RET):c.824G>C (p.Gly275Ala)

Gene: RET (ret proto-oncogene; plus strand). Cytogenetic location: 10q11.21.
Variant type: single nucleotide variant.
Coding change: c.824G>C on transcript NM_020975.6 (MANE Select); coding-DNA position 824, G replaced by C.
Protein change: p.Gly275Ala; replaces glycine 275 with alanine.
Molecular consequence: missense variant.
Genome position (GRCh38, 1-based): chr10:43,105,150, G>C. VCF-style: chr10-43105150-G-C. GRCh37 (hg19) VCF-style: chr10-43600598-G-C.
Other names: c.824G>C, p.Gly275Ala (NM_000323.2, NM_001406743.1, NM_001406744.1 and 8 more transcripts); c.62G>C, p.Gly21Ala (NM_001355216.2); c.695G>C, p.Gly232Ala (NM_001406761.1, NM_001406762.1, NM_001406764.1 and 2 more transcripts); c.536G>C, p.Gly179Ala (NM_001406766.1, NM_001406767.1, NM_001406770.1); short protein forms G21A, G275A, G179A, G232A.
Identifiers: ClinVar variation 1006047 (VCV001006047.9), dbSNP rs143209223, ClinGen allele CA376545226.

ClinVar aggregate classification (germline): Uncertain significance (1 of 4 stars; one submission).

Conditions:
Multiple endocrine neoplasia, type 2 (MEN2). Identifiers: Orphanet 653, MedGen C4048306, MONDO:0019003. Disease mechanism: gain of function.

gnomAD v4.1: 1 of 1,612,754 alleles (0.000062%); highest among the groups gnomAD compares: Non-Finnish European, 0.000085%; no homozygotes.

Submission:

Labcorp Genetics (formerly Invitae), Labcorp
Classification: Uncertain significance for Multiple endocrine neoplasia, type 2. Last evaluated: 2020-10-22. Review status: criteria provided, single submitter. Criteria: Invitae Variant Classification Sherloc (09022015). Collection method: clinical testing. Allele origin: germline.
Comment: This variant has not been reported in the literature in individuals with RET-related conditions. In summary, the available evidence is currently insufficient to determine the role of this variant in disease. Therefore, it has been classified as a Variant of Uncertain Significance. Algorithms developed to predict the effect of missense changes on protein structure and function output the following: SIFT: "Tolerated"; PolyPhen-2: "Benign"; Align-GVGD: "Class C0". The alanine amino acid residue is found in multiple mammalian species, suggesting that this missense change does not adversely affect protein function. These predictions have not been confirmed by published functional studies and their clinical significance is uncertain. This variant is not present in population databases (ExAC no frequency). This sequence change replaces glycine with alanine at codon 275 of the RET protein (p.Gly275Ala). The glycine residue is highly conserved and there is a small physicochemical difference between glycine and alanine.